The following is an entry in ClinVar:

NM_206937.2(LIG4):c.2135_2136del (p.Ile712fs)

Gene: LIG4 (DNA ligase 4; minus strand). Cytogenetic location: 13q33.3.
Variant type: Deletion.
Coding change: c.2135_2136del on transcript NM_206937.2 (MANE Select); coding-DNA positions 2135 to 2136, 2 bases deleted (TA; older notation c.2135_2136delTA).
Protein change: p.Ile712fs; shifts the reading frame from isoleucine 712.
Molecular consequence: frameshift variant.
Genome position (GRCh38, 1-based): chr13:108,209,133-108,209,134, TA deleted on the plus strand (TA on the coding strand, the reverse complement: LIG4 is on the minus strand); deleting any 2 consecutive bases within chr13:108,209,133-108,209,135 gives the same sequence; the c. name uses the placement nearest the transcript's 3' end. VCF-style (leftmost placement, unchanged base first): chr13-108209132-TTA-T. GRCh37 (hg19) VCF-style: chr13-108861480-TTA-T.
Other names: c.2135_2136del, p.Ile712fs (NM_001098268.2, NM_001352598.2, NM_001352599.2 and 6 more transcripts); c.1934_1935del, p.Ile645fs (NM_001330595.2); c.2171_2172del, p.Ile724fs (NM_001352604.2); short protein forms I645fs, I712fs, I724fs.
Identifiers: ClinVar variation 632206 (VCV000632206.7), dbSNP rs1566360837, ClinGen allele CA484975291.

ClinVar aggregate classification (germline): Pathogenic (1 of 4 stars; one submission).

Conditions:
DNA ligase IV deficiency. Identifiers: Orphanet 99812, MedGen C1847827, MONDO:0011686, OMIM 606593.

Submission:

Labcorp Genetics (formerly Invitae), Labcorp
Classification: Pathogenic for DNA ligase IV deficiency. Last evaluated: 2023-02-24. Review status: criteria provided, single submitter. Criteria: Invitae Variant Classification Sherloc (09022015). Collection method: clinical testing. Allele origin: germline.
Comment: For these reasons, this variant has been classified as Pathogenic. This variant disrupts a region of the LIG4 protein in which other variant(s) (p.Arg814*) have been determined to be pathogenic (PMID: 11779494, 16088910, 24123394, 25239263, 27063650, 27612988). This suggests that this is a clinically significant region of the protein, and that variants that disrupt it are likely to be disease-causing. ClinVar contains an entry for this variant (Variation ID: 632206). This premature translational stop signal has been observed in individual(s) with severe combined immunodeficiency (PMID: 26762768). This variant is not present in population databases (gnomAD no frequency). This sequence change creates a premature translational stop signal (p.Ile712Asnfs*5) in the LIG4 gene. While this is not anticipated to result in nonsense mediated decay, it is expected to disrupt the last 200 amino acid(s) of the LIG4 protein.

Literature cited by the submitters: PubMed 11779494; PubMed 16088910; PubMed 24123394; PubMed 25239263; PubMed 27063650; PubMed 27612988; PubMed 26762768.